The following is an entry in ClinVar:

NM_006236.3(POU3F3):c.1354del (p.Val452fs)

Gene: POU3F3 (POU class 3 homeobox 3; plus strand). Cytogenetic location: 2q12.1.
Variant type: Deletion.
Coding change: c.1354del on transcript NM_006236.3 (MANE Select); coding-DNA position 1354, one base deleted (G; older notation c.1354delG).
Protein change: p.Val452fs; shifts the reading frame from valine 452.
Molecular consequence: frameshift variant.
Genome position (GRCh38, 1-based): chr2:104,856,864, G deleted; the last of 3 consecutive G bases (chr2:104,856,862-104,856,864); deleting any one gives the same sequence. VCF-style (leftmost placement, unchanged base first): chr2-104856861-CG-C. GRCh37 (hg19) VCF-style: chr2-105473319-CG-C.
Other names: c.1354del, p.Val452fs (NM_001433704.1); short protein forms V452fs.
Identifiers: ClinVar variation 4838856 (VCV004838856.1).

ClinVar aggregate classification (germline): Uncertain significance (1 of 4 stars; one submission).

Conditions:
Inborn genetic diseases. Identifiers: MedGen C0950123, MeSH D030342.

Submission:

Ambry Genetics
Classification: Uncertain significance for Inborn genetic diseases. Last evaluated: 2026-01-08. Review status: criteria provided, single submitter. Criteria: Ambry Variant Classification Scheme 2023. Collection method: clinical testing. Allele origin: germline.
Comment: The c.1354delG (p.V452Sfs*13) alteration, located in exon 1 (coding exon 1) of the POU3F3 gene, consists of a deletion of one nucleotide at position 1354, causing a translational frameshift with a predicted alternate stop codon after 13 amino acids. This variant is not expected to trigger nonsense-mediated mRNA decay and impacts the last 9.8% of the protein. The exact functional effect of this alteration is unknown. This variant was not reported in population-based cohorts in the Genome Aggregation Database (gnomAD). Based on insufficient or conflicting evidence, the clinical significance of this alteration remains unclear.